The following is an entry in ClinVar:

NM_032043.3(BRIP1):c.634G>A (p.Gly212Ser)

Gene: BRIP1 (BRCA1 interacting DNA helicase 1; minus strand). Cytogenetic location: 17q23.2.
Variant type: single nucleotide variant.
Coding change: c.634G>A on transcript NM_032043.3 (MANE Select); coding-DNA position 634, G replaced by A.
Protein change: p.Gly212Ser; replaces glycine 212 with serine.
Molecular consequence: missense variant.
Genome position (GRCh38, 1-based): chr17:61,808,751, C>T on the plus strand (G>A on the coding strand, the complement: BRIP1 is on the minus strand). VCF-style: chr17-61808751-C-T. GRCh37 (hg19) VCF-style: chr17-59886112-C-T.
Other names: short protein forms G212S.
Identifiers: ClinVar variation 491475 (VCV000491475.18), dbSNP rs1555609387, ClinGen allele CA400485240.

ClinVar aggregate classification (germline): Uncertain significance. Review status: criteria provided, multiple submitters, no conflicts (2 of 4 stars). 3 submissions from 3 submitters: Uncertain significance (3). Last evaluated 2023-12-16.

Conditions:
Hereditary cancer-predisposing syndrome. Also called: Tumor predisposition; Neoplastic Syndromes, Hereditary; Hereditary Cancer Syndrome; Hereditary neoplastic syndrome. Identifiers: Orphanet 140162, MedGen C0027672, MeSH D009386, MONDO:0015356.
Fanconi anemia complementation group J. Also called: BRIP1-Related Fanconi Anemia. Identifiers: Orphanet 84, MedGen C1836860, MONDO:0012187, OMIM 609054.
Familial cancer of breast. Also called: BREAST CANCER, FAMILIAL; hereditary breast carcinoma; Hereditary breast cancer. Identifiers: Orphanet 227535, MedGen C0346153, MONDO:0016419, OMIM 114480. Disease mechanism: loss of function.

Submissions (3):

Labcorp Genetics (formerly Invitae), Labcorp
Classification: Uncertain significance for Familial cancer of breast; Fanconi anemia complementation group J. Last evaluated: 2023-12-16. Review status: criteria provided, single submitter. Criteria: Invitae Variant Classification Sherloc (09022015). Collection method: clinical testing. Allele origin: germline.
Comment: This sequence change replaces glycine, which is neutral and non-polar, with serine, which is neutral and polar, at codon 212 of the BRIP1 protein (p.Gly212Ser). This variant is not present in population databases (gnomAD no frequency). This variant has not been reported in the literature in individuals affected with BRIP1-related conditions. ClinVar contains an entry for this variant (Variation ID: 491475). Advanced modeling of protein sequence and biophysical properties (such as structural, functional, and spatial information, amino acid conservation, physicochemical variation, residue mobility, and thermodynamic stability) performed at Invitae indicates that this missense variant is not expected to disrupt BRIP1 protein function with a negative predictive value of 80%. In summary, the available evidence is currently insufficient to determine the role of this variant in disease. Therefore, it has been classified as a Variant of Uncertain Significance.

Ambry Genetics
Classification: Uncertain significance for Hereditary cancer-predisposing syndrome. Last evaluated: 2023-06-22. Review status: criteria provided, single submitter. Criteria: Ambry Variant Classification Scheme 2023. Collection method: clinical testing. Allele origin: germline.
Comment: The p.G212S variant (also known as c.634G>A), located in coding exon 6 of the BRIP1 gene, results from a G to A substitution at nucleotide position 634. The glycine at codon 212 is replaced by serine, an amino acid with similar properties. This amino acid position is well conserved in available vertebrate species. In addition, this alteration is predicted to be tolerated by in silico analysis. Since supporting evidence is limited at this time, the clinical significance of this alteration remains unclear.

Color Diagnostics, LLC DBA Color Health
Classification: Uncertain significance for Hereditary cancer-predisposing syndrome. Last evaluated: 2021-02-12. Review status: criteria provided, single submitter. Criteria: ACMG Guidelines, 2015. Collection method: clinical testing. Allele origin: germline.
Comment: This missense variant replaces glycine with serine at codon 212 of the BRIP1 protein. Computational prediction suggests that this variant may not impact protein structure and function (internally defined REVEL score threshold <= 0.5, PMID: 27666373). To our knowledge, functional studies have not been reported for this variant. This variant has not been reported in individuals affected with hereditary cancer in the literature. This variant has not been identified in the general population by the Genome Aggregation Database (gnomAD). The available evidence is insufficient to determine the role of this variant in disease conclusively. Therefore, this variant is classified as a Variant of Uncertain Significance.